The following is an entry in ClinVar:

NM_001163278.2(TENM1):c.7444A>G (p.Ile2482Val)

Gene: TENM1 (teneurin transmembrane protein 1; minus strand). Cytogenetic location: Xq25.
Variant type: single nucleotide variant.
Coding change: c.7444A>G on transcript NM_001163278.2 (MANE Select); coding-DNA position 7444, A replaced by G.
Protein change: p.Ile2482Val; replaces isoleucine 2482 with valine.
Molecular consequence: missense variant.
Genome position (GRCh38, 1-based): chrX:124,381,291, T>C on the plus strand (A>G on the coding strand, the complement: TENM1 is on the minus strand). VCF-style: chrX-124381291-T-C. GRCh37 (hg19) VCF-style: chrX-123515141-T-C.
Other names: c.7441A>G, p.Ile2481Val (NM_001163279.1); c.7423A>G, p.Ile2475Val (NM_014253.3); short protein forms I2475V, I2481V, I2482V.
Identifiers: ClinVar variation 3771907 (VCV003771907.13).
Genomic context (GRCh38, chrX:124,381,291, plus strand): 5'-GTTGGTCCAAGGAAATGAAATTCCTGAGCTGTTTCTGGAGTTCACACTGAATGCCCAGGA[T>C]AGTCTAGGAAAGAGAGGCACAGAGCAGATGCAGCATGGAGTTAGACATCTGTCAGATACT-3'
Protein context (NP_001156750.1, residues 2472-2492): KTQEWDPGKT[Ile2482Val]LGIQCELQKQ

ClinVar aggregate classification (germline): Likely benign (1 of 4 stars; one submission).

gnomAD v4.1: 4 of 1,193,215 alleles (0.00034%); highest among the groups gnomAD compares: Non-Finnish European, 0.00045%; no homozygotes.

Submission:

CeGaT Center for Human Genetics Tuebingen
Classification: Likely benign. Last evaluated: 2025-02-01. Review status: criteria provided, single submitter. Criteria: CeGaT Center For Human Genetics Tuebingen Variant Classification Criteria Version 2. Collection method: clinical testing. Allele origin: germline. Affected: yes. Observed: 1 variant allele.
Comment: TENM1: BS2